The following is an entry in ClinVar:

NM_000051.4(ATM):c.8786+8A>C

Genes: ATM (ATM serine/threonine kinase; plus strand), C11orf65 (chromosome 11 open reading frame 65; minus strand). Cytogenetic location: 11q22.3.
Variant type: single nucleotide variant.
Coding change: c.8786+8A>C on transcript NM_000051.4 (MANE Select); 8 bases into the intron after coding-DNA position 8786, A replaced by C.
Molecular consequence: intron variant.
Genome position (GRCh38, 1-based): chr11:108,353,888, A>C. VCF-style: chr11-108353888-A-C. GRCh37 (hg19) VCF-style: chr11-108224615-A-C.
Other names: p.?; c.8786+8A>C (NM_001351834.2); c.640+32032T>G (NM_001330368.2); c.695-18596T>G (NM_001351110.2).
Identifiers: ClinVar variation 132696 (VCV000132696.51), dbSNP rs4986839, ClinGen allele CA163517.

ClinVar aggregate classification (germline): Benign/Likely benign. Review status: criteria provided, multiple submitters, no conflicts (2 of 4 stars). 29 submissions from 29 submitters: Benign (15); Likely benign (5). 9 of the submissions do not count toward it. Last evaluated 2026-02-04.

Conditions:
Hereditary cancer-predisposing syndrome. Also called: Neoplastic Syndromes, Hereditary; Hereditary Cancer Syndrome; Tumor predisposition; Hereditary neoplastic syndrome. Identifiers: Orphanet 140162, MedGen C0027672, MeSH D009386, MONDO:0015356.
Hereditary breast ovarian cancer syndrome. Also called: BRCA1- and BRCA2-Associated Hereditary Breast and Ovarian Cancer; Hereditary breast and ovarian cancer syndrome; Hereditary breast and ovarian cancer syndrome (HBOC); Hereditary breast and/or ovarian cancer syndrome; Hereditary breast and ovarian cancer; Breast and ovarian cancer. Identifiers: Orphanet 145, MedGen C0677776, MeSH D061325, MONDO:0003582. Disease mechanism: loss of function.
Familial cancer of breast. Also called: BREAST CANCER, FAMILIAL; hereditary breast carcinoma; Hereditary breast cancer. Identifiers: Orphanet 227535, MedGen C0346153, MONDO:0016419, OMIM 114480. Disease mechanism: loss of function.
Malignant tumor of breast. Also called: Malignant breast neoplasm; Cancer breast. Identifiers: MedGen C0006142, MONDO:0007254. Disease mechanism: loss of function.
Ataxia-telangiectasia syndrome (AT). Also called: Ataxia-telangiectasia, complementation group D; AT, COMPLEMENTATION GROUP C; Ataxia-telangiectasia; ATAXIA-TELANGIECTASIA, COMPLEMENTATION GROUP A; ATAXIA-TELANGIECTASIA, FRESNO VARIANT; Ataxia-telangiectasia, complementation group E. Identifiers: Orphanet 100, MedGen C0004135, MONDO:0008840, OMIM 208900.

Allele frequency attached by ClinVar (database versions not stated): gnomAD 0.02438 and 0.02488; TOPMed 0.02608; ESP Exome Variant Server 0.02877; 1000 Genomes Project 30x 0.01343; ExAC 0.02499; 1000 Genomes Project 0.01238; gnomAD exomes 0.02616.
gnomAD v4.1: 55,362 of 1,604,136 alleles (3.5%); highest among the groups gnomAD compares: Non-Finnish European, 4%; 1,200 homozygotes.

Submissions (29):

Labcorp Genetics (formerly Invitae), Labcorp
Classification: Benign for Ataxia-telangiectasia syndrome. Last evaluated: 2026-02-04. Review status: criteria provided, single submitter. Criteria: Invitae Variant Classification Sherloc (09022015). Collection method: clinical testing. Allele origin: germline.

Athena Diagnostics
Classification: Benign. Last evaluated: 2025-09-11. Review status: criteria provided, single submitter. Criteria: Athena Diagnostics Criteria. Collection method: clinical testing. Allele origin: unknown.
Comment: The frequency of this variant in the general population is higher than would generally be expected for pathogenic variants in this gene. Computational tools yielded predictions that this variant is unlikely to have an effect on normal RNA splicing. This nucleotide position exhibits low evolutionary conservation.

ARUP Laboratories, Molecular Genetics and Genomics, ARUP Laboratories
Classification: Benign. Last evaluated: 2025-07-07. Review status: criteria provided, single submitter. Criteria: ARUP Molecular Germline Variant Investigation Process 2024. Collection method: clinical testing. Allele origin: germline.

Center for Genomic Medicine, Rigshospitalet, Copenhagen University Hospital
Classification: Benign. Last evaluated: 2025-03-04. Review status: criteria provided, single submitter. Criteria: ACMG Guidelines, 2015. Collection method: clinical testing. Allele origin: germline.

Blueprint Genetics
Classification: Likely benign. Last evaluated: 2024-11-27. Review status: criteria provided, single submitter. Criteria: ACMG Guidelines, 2015. Collection method: clinical testing. Allele origin: germline.

Myriad Genetics, Inc.
Classification: Benign for Familial cancer of breast. Last evaluated: 2024-06-20. Review status: criteria provided, single submitter. Criteria: Myriad Autosomal Dominant, Autosomal Recessive and X-Linked Classification Criteria (2023). Collection method: clinical testing. Allele origin: unknown.
Comment: This variant is considered benign. This variant is intronic and is not expected to impact mRNA splicing. This variant has been observed at a population frequency that is significantly greater than expected given the associated disease prevalence and penetrance.

KCCC/NGS Laboratory, Kuwait Cancer Control Center
Classification: Benign for Familial cancer of breast. Last evaluated: 2023-07-07. Review status: criteria provided, single submitter. Criteria: ACMG Guidelines, 2015. Collection method: clinical testing. Allele origin: germline. Affected: yes.

Mayo Clinic Laboratories, Mayo Clinic
Classification: Benign. Last evaluated: 2022-04-29. Review status: criteria provided, single submitter. Criteria: ACMG Guidelines, 2015. Collection method: clinical testing. Allele origin: germline. Observed: 234 variant alleles.

National Health Laboratory Service, Universitas Academic Hospital and University of the Free State
Classification: Likely benign for Hereditary breast ovarian cancer syndrome. Last evaluated: 2022-04-19. Review status: criteria provided, single submitter. Criteria: ACMG Guidelines, 2015. Collection method: clinical testing. Allele origin: germline. Affected: yes. Observed: 3 variant alleles.

Genome-Nilou Lab
Classification: Benign for Ataxia-telangiectasia syndrome. Last evaluated: 2021-07-01. Review status: criteria provided, single submitter. Criteria: ACMG Guidelines, 2015. Collection method: clinical testing. Allele origin: germline. Affected: no.

Sema4
Classification: Benign for Hereditary cancer-predisposing syndrome. Last evaluated: 2021-05-11. Review status: criteria provided, single submitter. Criteria: Sema4 Curation Guidelines. Collection method: curation. Allele origin: germline.

Illumina Laboratory Services, Illumina
Classification: Benign for Ataxia-telangiectasia syndrome. Last evaluated: 2018-01-13. Review status: criteria provided, single submitter. Criteria: ICSL Variant Classification Criteria 13 December 2019. Collection method: clinical testing. Allele origin: germline.
Comment: This variant was observed in the ICSL laboratory as part of a predisposition screen in an ostensibly healthy population. It had not been previously curated by ICSL or reported in the Human Gene Mutation Database (HGMD: prior to June 1st, 2018), and was therefore a candidate for classification through an automated scoring system. Utilizing variant allele frequency, disease prevalence and penetrance estimates, and inheritance mode, an automated score was calculated to assess if this variant is too frequent to cause the disease. Based on the score and internal cut-off values, a variant classified as benign is not then subjected to further curation. The score for this variant resulted in a classification of benign for this disease.

Institute for Biomarker Research, Medical Diagnostic Laboratories, L.L.C.
Classification: Likely benign for Hereditary cancer-predisposing syndrome. Last evaluated: 2017-07-12. Review status: criteria provided, single submitter. Criteria: ACMG Guidelines, 2015. Collection method: clinical testing. Allele origin: germline.

Vantari Genetics
Classification: Benign for Hereditary cancer-predisposing syndrome. Last evaluated: 2015-12-04. Review status: criteria provided, single submitter. Criteria: ACMG Guidelines, 2015. Collection method: clinical testing. Allele origin: germline.

Color Diagnostics, LLC DBA Color Health
Classification: Benign for Hereditary cancer-predisposing syndrome. Last evaluated: 2015-03-31. Review status: criteria provided, single submitter. Criteria: ACMG Guidelines, 2015. Collection method: clinical testing. Allele origin: germline.

GeneDx
Classification: Benign. Last evaluated: 2015-03-03. Review status: criteria provided, single submitter. Criteria: GeneDx Variant Classification Process June 2021. Collection method: clinical testing. Allele origin: germline. Affected: yes.

Genome Diagnostics Laboratory, University Medical Center Utrecht
Classification: Likely benign for Ataxia-telangiectasia syndrome. Last evaluated: 2014-10-09. Review status: criteria provided, single submitter. Criteria: ACGS Guidelines, 2013. Collection method: clinical testing. Allele origin: germline. Affected: yes. Study: VKGL Data-share Consensus.

Ambry Genetics
Classification: Benign for Hereditary cancer-predisposing syndrome. Last evaluated: 2012-07-19. Review status: criteria provided, single submitter. Criteria: Ambry Autosomal Dominant and X-Linked criteria (10/2015). Collection method: clinical testing. Allele origin: germline. Observed: 1 variant allele.

Breakthrough Genomics
Classification: Likely benign. Review status: criteria provided, single submitter. Criteria: ACMG Guidelines, 2015. Collection method: not provided. Allele origin: germline. Inheritance: Autosomal recessive inheritance. Affected: yes.

PreventionGenetics, part of Exact Sciences
Classification: Benign. Review status: criteria provided, single submitter. Criteria: ACMG Guidelines, 2015. Collection method: clinical testing. Allele origin: germline.

Natera, Inc.
Classification: Benign for Ataxia-telangiectasia. Last evaluated: 2020-09-16. Review status: no assertion criteria provided. Collection method: clinical testing. Allele origin: germline. Not counted in ClinVar's aggregate classification.

True Health Diagnostics
Classification: Likely benign for Hereditary cancer-predisposing syndrome. Last evaluated: 2018-02-05. Review status: no assertion criteria provided. Collection method: clinical testing. Allele origin: germline. Not counted in ClinVar's aggregate classification.

Genome Diagnostics Laboratory, Amsterdam University Medical Center
Classification: Benign for Ataxia-telangiectasia syndrome. Last evaluated: 2015-10-05. Review status: no assertion criteria provided. Criteria: ACGS Guidelines, 2013. Collection method: clinical testing. Allele origin: germline. Affected: yes. Study: VKGL Data-share Consensus. Not counted in ClinVar's aggregate classification.

Clinical Genetics DNA and cytogenetics Diagnostics Lab, Erasmus MC, Erasmus Medical Center
Classification: Benign. Review status: no assertion criteria provided. Collection method: clinical testing. Allele origin: germline. Affected: yes. Study: VKGL Data-share Consensus. Not counted in ClinVar's aggregate classification.

Clinical Genetics Laboratory, Department of Pathology, Netherlands Cancer Institute
Classification: Benign. Review status: no assertion criteria provided. Collection method: clinical testing. Allele origin: germline. Affected: yes. Study: VKGL Data-share Consensus. Not counted in ClinVar's aggregate classification.

Clinical Genetics, Academic Medical Center
Classification: Benign. Review status: no assertion criteria provided. Collection method: clinical testing. Allele origin: germline. Affected: yes. Study: VKGL Data-share Consensus. Not counted in ClinVar's aggregate classification.

Department of Pathology and Laboratory Medicine, Sinai Health System
Classification: Benign for Malignant tumor of breast. Review status: no assertion criteria provided. Collection method: clinical testing. Allele origin: unknown. Affected: yes. Study: The Canadian Open Genetics Repository (COGR). Not counted in ClinVar's aggregate classification.
Comment: The ATM c.8786+8A>C variant was identified in 12 of 206 proband chromosomes (frequency: 0.06) from individuals or families with acute lymphoblastic leukemia and was present in 3 of 198 control chromosomes (frequency: 0.02) from healthy individuals (Meier 2005). The variant was also identified in dbSNP (ID: rs4986839) as "With Likely benign, other allele", ClinVar (classified as benign by seven submitters and as likely benign by four submitters) and LOVD 3.0 (4x as benign or likely benign). The variant was identified in control databases in 7055 of 277176 chromosomes (163 homozygous) at a frequency of 0.03, increasing the likelihood this could be a low frequency benign variant (Genome Aggregation Database Feb 27, 2017). The variant was observed in the following populations: African in 165 of 24026 chromosomes (freq: 0.007), Other in 208 of 6464 chromosomes (freq: 0.03), Latino in 582 of 34416 chromosomes (freq: 0.02), European in 4586 of 126678 chromosomes (freq: 0.04), Ashkenazi Jewish in 836 of 10150 chromosomes (freq: 0.08), Finnish in 216 of 25792 chromosomes (freq: 0.008), and South Asian in 462 of 30782 chromosomes (freq: 0.02), while the variant was not observed in the East Asian population. The variant occurs outside of the splicing consensus sequence and in silico or computational prediction software programs (SpliceSiteFinder, MaxEntScan, NNSPLICE, GeneSplicer) do not predict a difference in splicing. In summary, based on the above information this variant meets our laboratory's criteria to be classified as benign.

Joint Genome Diagnostic Labs from Nijmegen and Maastricht, Radboudumc and MUMC+
Classification: Benign. Review status: no assertion criteria provided. Collection method: clinical testing. Allele origin: germline. Affected: yes. Study: VKGL Data-share Consensus. Not counted in ClinVar's aggregate classification.

Laboratory of Diagnostic Genome Analysis, Leiden University Medical Center (LUMC)
Classification: Likely benign. Review status: no assertion criteria provided. Collection method: clinical testing. Allele origin: germline. Affected: yes. Study: VKGL Data-share Consensus. Not counted in ClinVar's aggregate classification.

Literature cited by the submitters: PubMed 19404735 (cited by Athena Diagnostics); PubMed 16631465 (cited by Athena Diagnostics); PubMed 28488180 (cited by Athena Diagnostics); PubMed 19347964 (cited by Athena Diagnostics); PubMed 23454770 (cited by Athena Diagnostics).